The following is an entry in ClinVar:

NM_031229.4(RBCK1):c.682G>A (p.Ala228Thr)

Gene: RBCK1 (RANBP2-type and C3HC4-type zinc finger containing 1; plus strand). Cytogenetic location: 20p13.
Variant type: single nucleotide variant.
Coding change: c.682G>A on transcript NM_031229.4 (MANE Select); coding-DNA position 682, G replaced by A.
Protein change: p.Ala228Thr; replaces alanine 228 with threonine.
Molecular consequence: missense variant. On other transcripts: synonymous variant (2), non-coding transcript variant (1).
Genome position (GRCh38, 1-based): chr20:419,657, G>A. VCF-style: chr20-419657-G-A. GRCh37 (hg19) VCF-style: chr20-400301-G-A.
Other names: c.333G>A, p.Pro111= (NM_001323956.2, NM_001323958.2); c.556G>A, p.Ala186Thr (NM_006462.6); c.682G>A (NM_031229.2); short protein forms A228T, A186T.
Identifiers: ClinVar variation 1415129 (VCV001415129.7), dbSNP rs752666659, ClinGen allele CA310620058.

ClinVar aggregate classification (germline): Uncertain significance. Review status: criteria provided, multiple submitters, no conflicts (2 of 4 stars). 2 submissions from 2 submitters: Uncertain significance (2). Last evaluated 2025-01-14.

Conditions:
Inborn genetic diseases. Identifiers: MedGen C0950123, MeSH D030342.
Polyglucosan body myopathy type 1 (PGBM1). Also called: POLYGLUCOSAN BODY MYOPATHY WITHOUT IMMUNODEFICIENCY; Polyglucosan body myopathy 1 with or without immunodeficiency. Identifiers: Orphanet 329173, Orphanet 397937, MedGen C4014605, MONDO:0014389, OMIM 615895.

Allele frequency attached by ClinVar (database versions not stated): TOPMed 0.00002; gnomAD 0.00001.

Submissions (2):

Ambry Genetics
Classification: Uncertain significance for Inborn genetic diseases. Last evaluated: 2025-01-14. Review status: criteria provided, single submitter. Criteria: Ambry Variant Classification Scheme 2023. Collection method: clinical testing. Allele origin: germline.

Labcorp Genetics (formerly Invitae), Labcorp
Classification: Uncertain significance for Polyglucosan body myopathy type 1. Last evaluated: 2022-08-23. Review status: criteria provided, single submitter. Criteria: Invitae Variant Classification Sherloc (09022015). Collection method: clinical testing. Allele origin: germline.
Comment: This sequence change replaces alanine, which is neutral and non-polar, with threonine, which is neutral and polar, at codon 228 of the RBCK1 protein (p.Ala228Thr). In summary, the available evidence is currently insufficient to determine the role of this variant in disease. Therefore, it has been classified as a Variant of Uncertain Significance. Algorithms developed to predict the effect of missense changes on protein structure and function are either unavailable or do not agree on the potential impact of this missense change (SIFT: "Not Available"; PolyPhen-2: "Benign"; Align-GVGD: "Not Available"). ClinVar contains an entry for this variant (Variation ID: 1415129). This variant has not been reported in the literature in individuals affected with RBCK1-related conditions. This variant is present in population databases (no rsID available, gnomAD 0.02%).